The following is an entry in ClinVar:

NM_053025.4(MYLK):c.1297T>C (p.Phe433Leu)

Gene: MYLK (myosin light chain kinase; minus strand). Cytogenetic location: 3q21.1.
Variant type: single nucleotide variant.
Coding change: c.1297T>C on transcript NM_053025.4 (MANE Select); coding-DNA position 1297, T replaced by C.
Protein change: p.Phe433Leu; replaces phenylalanine 433 with leucine.
Molecular consequence: missense variant.
Genome position (GRCh38, 1-based): chr3:123,733,699, A>G on the plus strand (T>C on the coding strand, the complement: MYLK is on the minus strand). VCF-style: chr3-123733699-A-G. GRCh37 (hg19) VCF-style: chr3-123452546-A-G.
Other names: c.769T>C, p.Phe257Leu (NM_001321309.2); c.1297T>C, p.Phe433Leu (NM_053026.4, NM_053027.4, NM_053028.4); short protein forms F433L, F257L.
Identifiers: ClinVar variation 342897 (VCV000342897.13), dbSNP rs886057864, ClinGen allele CA10617013.

ClinVar aggregate classification (germline): Uncertain significance. Review status: criteria provided, multiple submitters, no conflicts (2 of 4 stars). 3 submissions from 3 submitters: Uncertain significance (3). Last evaluated 2025-07-20.

Conditions:
Familial thoracic aortic aneurysm and aortic dissection (TAAD). Also called: Thoracic aortic aneurysms and dissections. Identifiers: Orphanet 91387, MedGen C4707243, MONDO:0019625.
Aortic aneurysm, familial thoracic 7 (AAT7). Also called: AORTIC DISSECTION, FAMILIAL, WITH OR WITHOUT AORTIC ANEURYSM. Identifiers: MedGen C3151077, MONDO:0013418, OMIM 613780.

Allele frequency attached by ClinVar (database versions not stated): gnomAD exomes 0.00003.
gnomAD v4.1: 38 of 1,614,072 alleles (0.0024%); highest among the groups gnomAD compares: Non-Finnish European, 0.0032%; no homozygotes.

Submissions (3):

Labcorp Genetics (formerly Invitae), Labcorp
Classification: Uncertain significance for Aortic aneurysm, familial thoracic 7. Last evaluated: 2025-07-20. Review status: criteria provided, single submitter. Criteria: Invitae Variant Classification Sherloc (09022015). Collection method: clinical testing. Allele origin: germline.
Comment: This sequence change replaces phenylalanine, which is neutral and non-polar, with leucine, which is neutral and non-polar, at codon 433 of the MYLK protein (p.Phe433Leu). This variant is not present in population databases (gnomAD no frequency). This variant has not been reported in the literature in individuals affected with MYLK-related conditions. ClinVar contains an entry for this variant (Variation ID: 342897). Invitae Evidence Modeling of protein sequence and biophysical properties (such as structural, functional, and spatial information, amino acid conservation, physicochemical variation, residue mobility, and thermodynamic stability) indicates that this missense variant is not expected to disrupt MYLK protein function with a negative predictive value of 95%. In summary, the available evidence is currently insufficient to determine the role of this variant in disease. Therefore, it has been classified as a Variant of Uncertain Significance.

Ambry Genetics
Classification: Uncertain significance for Familial thoracic aortic aneurysm and aortic dissection. Last evaluated: 2022-05-02. Review status: criteria provided, single submitter. Criteria: Ambry Variant Classification Scheme 2023. Collection method: clinical testing. Allele origin: germline.
Comment: The p.F433L variant (also known as c.1297T>C), located in coding exon 7 of the MYLK gene, results from a T to C substitution at nucleotide position 1297. The phenylalanine at codon 433 is replaced by leucine, an amino acid with highly similar properties. This amino acid position is conserved. In addition, the in silico prediction for this alteration is inconclusive. Since supporting evidence is limited at this time, the clinical significance of this alteration remains unclear.

Illumina Laboratory Services, Illumina
Classification: Uncertain significance for Aortic aneurysm, familial thoracic 7. Last evaluated: 2018-01-12. Review status: criteria provided, single submitter. Criteria: ICSL Variant Classification Criteria 13 December 2019. Collection method: clinical testing. Allele origin: germline.